The following is an entry in ClinVar:

NM_020297.4(ABCC9):c.2763A>G (p.Leu921=)

Gene: ABCC9 (ATP binding cassette subfamily C member 9; minus strand). Cytogenetic location: 12p12.1.
Variant type: single nucleotide variant.
Coding change: c.2763A>G on transcript NM_020297.4 (MANE Select); coding-DNA position 2763, A replaced by G.
Protein change: p.Leu921=; no amino-acid change (leucine 921 retained).
Molecular consequence: synonymous variant.
Genome position (GRCh38, 1-based): chr12:21,852,103, T>C on the plus strand (A>G on the coding strand, the complement: ABCC9 is on the minus strand). VCF-style: chr12-21852103-T-C. GRCh37 (hg19) VCF-style: chr12-22005037-T-C.
Other names: c.2763A>G, p.Leu921= (NM_001377273.1, NM_005691.4); c.1896A>G, p.Leu632= (NM_001377274.1); c.2763A>G (NM_020297.3).
Identifiers: ClinVar variation 705990 (VCV000705990.15), dbSNP rs760466255, ClinGen allele CA6481295.

ClinVar aggregate classification (germline): Benign/Likely benign. Review status: criteria provided, multiple submitters, no conflicts (2 of 4 stars). 4 submissions from 4 submitters: Benign (2); Likely benign (1). 1 of the submissions does not count toward it. Last evaluated 2025-09-08.

Conditions:
ABCC9-related disorder. Also called: ABCC9-related disorders; ABCC9-related condition.
Cardiovascular phenotype. Identifiers: MedGen CN230736.
Dilated cardiomyopathy 1O (CMD1O). Also called: CARDIOMYOPATHY, DILATED, WITH VENTRICULAR TACHYCARDIA. Identifiers: Orphanet 154, MedGen C1837839, MONDO:0012062, OMIM 608569.

Allele frequency attached by ClinVar (database versions not stated): gnomAD exomes 0.00008 and 0.00018; ExAC 0.00021; 1000 Genomes Project 30x 0.00031; gnomAD below 0.00001 and 0.00005; TOPMed 0.00002.
gnomAD v4.1: 131 of 1,613,676 alleles (0.0081%); highest among the groups gnomAD compares: South Asian, 0.12%; 2 homozygotes.

Submissions (4):

Labcorp Genetics (formerly Invitae), Labcorp
Classification: Benign for Dilated cardiomyopathy 1O. Last evaluated: 2025-09-08. Review status: criteria provided, single submitter. Criteria: Invitae Variant Classification Sherloc (09022015). Collection method: clinical testing. Allele origin: germline.

Blueprint Genetics
Classification: Likely benign. Last evaluated: 2024-10-31. Review status: criteria provided, single submitter. Criteria: ACMG Guidelines, 2015. Collection method: clinical testing. Allele origin: germline.

Ambry Genetics
Classification: Benign for Cardiovascular phenotype. Last evaluated: 2021-11-16. Review status: criteria provided, single submitter. Criteria: Ambry Variant Classification Scheme 2023. Collection method: clinical testing. Allele origin: germline.

PreventionGenetics, part of Exact Sciences
Classification: Likely benign for ABCC9-related condition. Last evaluated: 2024-08-07. Review status: no assertion criteria provided. Collection method: clinical testing. Allele origin: germline. Not counted in ClinVar's aggregate classification.
Comment: This variant is classified as likely benign based on ACMG/AMP sequence variant interpretation guidelines (Richards et al. 2015 PMID: 25741868, with internal and published modifications).